The following is an entry in ClinVar:

NM_004006.3(DMD):c.186+3A>C

Gene: DMD (dystrophin; minus strand). Cytogenetic location: Xp21.1.
Variant type: single nucleotide variant.
Coding change: c.186+3A>C on transcript NM_004006.3 (MANE Select); 3 bases into the intron after coding-DNA position 186, A replaced by C.
Molecular consequence: intron variant.
Genome position (GRCh38, 1-based): chrX:32,849,725, T>G on the plus strand (A>C on the coding strand, the complement: DMD is on the minus strand). VCF-style: chrX-32849725-T-G. GRCh37 (hg19) VCF-style: chrX-32867842-T-G.
Other names: c.162+3A>C (NM_000109.4); c.174+3A>C (NM_004009.3); c.-184+3A>C (NM_004010.3).
Identifiers: ClinVar variation 2093379 (VCV002093379.4), dbSNP rs777083153, ClinGen allele CA2580101164.

ClinVar aggregate classification (germline): Uncertain significance (1 of 4 stars; one submission).

Conditions:
Duchenne muscular dystrophy (DMD). Also called: MUSCULAR DYSTROPHY, PSEUDOHYPERTROPHIC PROGRESSIVE, DUCHENNE TYPE; Duchenne Muscular Dystrophy (DMD). Identifiers: Orphanet 98896, MedGen C0013264, MONDO:0010679, OMIM 310200.

Submission:

Labcorp Genetics (formerly Invitae), Labcorp
Classification: Uncertain significance for Duchenne muscular dystrophy. Last evaluated: 2024-10-18. Review status: criteria provided, single submitter. Criteria: Invitae Variant Classification Sherloc (09022015). Collection method: clinical testing. Allele origin: germline.
Comment: This sequence change falls in intron 3 of the DMD gene. It does not directly change the encoded amino acid sequence of the DMD protein. It affects a nucleotide within the consensus splice site. This variant is not present in population databases (gnomAD no frequency). This variant has not been reported in the literature in individuals affected with DMD-related conditions. ClinVar contains an entry for this variant (Variation ID: 2093379). Variants that disrupt the consensus splice site are a relatively common cause of aberrant splicing (PMID: 17576681, 9536098). Algorithms developed to predict the effect of sequence changes on RNA splicing suggest that this variant is not likely to affect RNA splicing. In summary, the available evidence is currently insufficient to determine the role of this variant in disease. Therefore, it has been classified as a Variant of Uncertain Significance.

Literature cited by the submitters: PubMed 17576681; PubMed 9536098.